The following is an entry in ClinVar:

ClinVar aggregate classification (germline): Uncertain significance. Review status: criteria provided, multiple submitters, no conflicts (2 of 4 stars). 4 submissions from 4 submitters: Uncertain significance (4). Last evaluated 2025-10-01.

Conditions:
Retinitis pigmentosa 4 (RP4). Also called: RETINITIS PIGMENTOSA, RHODOPSIN-RELATED. Identifiers: Orphanet 791, MedGen C3151001, MONDO:0013395, OMIM 613731.
Congenital stationary night blindness autosomal dominant 1. Also called: NIGHT BLINDNESS, CONGENITAL STATIONARY, RHODOPSIN-RELATED. Identifiers: Orphanet 215, MedGen C1864869, MONDO:0012498, OMIM 610445.
Pigmentary retinal dystrophy. Also called: Fundus albipunctatus. Identifiers: Orphanet 227796, Orphanet 52427, MedGen C0311338, MONDO:0007639, OMIM 136880, HP:0030642.

Allele frequency attached by ClinVar (database versions not stated): ExAC 0.00001; TOPMed 0.00002; gnomAD exomes 0.00003.

Submissions (4):

Labcorp Genetics (formerly Invitae), Labcorp
Classification: Uncertain significance. Last evaluated: 2025-10-01. Review status: criteria provided, single submitter. Criteria: Invitae Variant Classification Sherloc (09022015). Collection method: clinical testing. Allele origin: germline.
Comment: This sequence change replaces phenylalanine, which is neutral and non-polar, with cysteine, which is neutral and slightly polar, at codon 220 of the RHO protein (p.Phe220Cys). This variant is present in population databases (rs766161322, gnomAD 0.004%). This missense change has been observed in individual(s) with autosomal dominant retinitis pigmentosa and/or RHO-related conditions (PMID: 8406457, 34148116). ClinVar contains an entry for this variant (Variation ID: 2203437). Invitae Evidence Modeling of protein sequence and biophysical properties (such as structural, functional, and spatial information, amino acid conservation, physicochemical variation, residue mobility, and thermodynamic stability) has been performed for this missense variant. However, the output from this modeling did not meet the statistical confidence thresholds required to predict the impact of this variant on RHO protein function. Experimental studies have shown that this missense change does not substantially affect RHO function (PMID: 30085663, 30977563, 32371886). In summary, the available evidence is currently insufficient to determine the role of this variant in disease. Therefore, it has been classified as a Variant of Uncertain Significance.

Blueprint Genetics
Classification: Uncertain significance. Last evaluated: 2024-10-07. Review status: criteria provided, single submitter. Criteria: ACMG Guidelines, 2015. Collection method: clinical testing. Allele origin: germline.

CeGaT Center for Human Genetics Tuebingen
Classification: Uncertain significance. Last evaluated: 2023-03-01. Review status: criteria provided, single submitter. Criteria: CeGaT Center For Human Genetics Tuebingen Variant Classification Criteria Version 2. Collection method: clinical testing. Allele origin: germline. Affected: yes. Observed: 1 variant allele.

Department of Pathology and Laboratory Medicine, Sinai Health System
Classification: Uncertain significance for Pigmentary retinal dystrophy; Congenital stationary night blindness autosomal dominant 1; Retinitis pigmentosa 4. Last evaluated: 2020-07-17. Review status: criteria provided, single submitter. Criteria: ACMG Guidelines, 2015. Collection method: research. Allele origin: germline.

Literature cited by the submitters: PubMed 8406457 (cited by Labcorp Genetics (formerly Invitae), Labcorp); PubMed 34148116 (cited by Labcorp Genetics (formerly Invitae), Labcorp); PubMed 30085663 (cited by Labcorp Genetics (formerly Invitae), Labcorp); PubMed 30977563 (cited by Labcorp Genetics (formerly Invitae), Labcorp); PubMed 32371886 (cited by Labcorp Genetics (formerly Invitae), Labcorp).

NM_000539.3(RHO):c.659T>G (p.Phe220Cys)

Gene: RHO (rhodopsin; plus strand). Cytogenetic location: 3q22.1.
Variant type: single nucleotide variant.
Coding change: c.659T>G on transcript NM_000539.3 (MANE Select); coding-DNA position 659, T replaced by G.
Protein change: p.Phe220Cys; replaces phenylalanine 220 with cysteine.
Molecular consequence: missense variant.
Genome position (GRCh38, 1-based): chr3:129,532,379, T>G. VCF-style: chr3-129532379-T-G. GRCh37 (hg19) VCF-style: chr3-129251222-T-G.
Other names: short protein forms F220C.
Identifiers: ClinVar variation 2203437 (VCV002203437.34), dbSNP rs766161322, ClinGen allele CA2607232.